The following is an entry in ClinVar:

NM_000701.8(ATP1A1):c.1723G>A (p.Asp575Asn)

Genes: ATP1A1 (ATPase Na+/K+ transporting subunit alpha 1; plus strand), ATP1A1-AS1 (ATP1A1 antisense RNA 1; minus strand). Cytogenetic location: 1p13.1.
Variant type: single nucleotide variant.
Coding change: c.1723G>A on transcript NM_000701.8 (MANE Select); coding-DNA position 1723, G replaced by A.
Protein change: p.Asp575Asn; replaces aspartic acid 575 with asparagine.
Molecular consequence: missense variant.
Genome position (GRCh38, 1-based): chr1:116,395,172, G>A. VCF-style: chr1-116395172-G-A. GRCh37 (hg19) VCF-style: chr1-116937794-G-A.
Other names: c.1723G>A, p.Asp575Asn (NM_001160233.2); c.1630G>A, p.Asp544Asn (NM_001160234.2); short protein forms D575N, D544N.
Identifiers: ClinVar variation 1509215 (VCV001509215.6), dbSNP rs757809799, ClinGen allele CA1025382.

ClinVar aggregate classification (germline): Uncertain significance (1 of 4 stars; one submission).

Allele frequency attached by ClinVar (database versions not stated): gnomAD exomes below 0.00001; ExAC 0.00001; gnomAD 0.00001; TOPMed 0.00001.
gnomAD v4.1: 5 of 1,613,956 alleles (0.00031%); highest among the groups gnomAD compares: African/African-American, 0.0027%; no homozygotes.

Submission:

Labcorp Genetics (formerly Invitae), Labcorp
Classification: Uncertain significance. Last evaluated: 2024-08-18. Review status: criteria provided, single submitter. Criteria: Invitae Variant Classification Sherloc (09022015). Collection method: clinical testing. Allele origin: germline.
Comment: This sequence change replaces aspartic acid, which is acidic and polar, with asparagine, which is neutral and polar, at codon 575 of the ATP1A1 protein (p.Asp575Asn). This variant is present in population databases (rs757809799, gnomAD 0.004%). This variant has not been reported in the literature in individuals affected with ATP1A1-related conditions. ClinVar contains an entry for this variant (Variation ID: 1509215). Invitae Evidence Modeling of protein sequence and biophysical properties (such as structural, functional, and spatial information, amino acid conservation, physicochemical variation, residue mobility, and thermodynamic stability) indicates that this missense variant is not expected to disrupt ATP1A1 protein function with a negative predictive value of 80%. In summary, the available evidence is currently insufficient to determine the role of this variant in disease. Therefore, it has been classified as a Variant of Uncertain Significance.